The following is an entry in ClinVar:

NM_000030.3(AGXT):c.847-3C>G

Gene: AGXT (alanine--glyoxylate aminotransferase; plus strand). Cytogenetic location: 2q37.3.
Variant type: single nucleotide variant.
Coding change: c.847-3C>G on transcript NM_000030.3 (MANE Select); 3 bases into the intron before coding-DNA position 847, C replaced by G.
Molecular consequence: intron variant.
Genome position (GRCh38, 1-based): chr2:240,877,534, C>G. VCF-style: chr2-240877534-C-G. GRCh37 (hg19) VCF-style: chr2-241816951-C-G.
Identifiers: ClinVar variation 204169 (VCV000204169.59), dbSNP rs180177286, ClinGen allele CA275809.

ClinVar aggregate classification (germline): Pathogenic/Likely pathogenic. Review status: criteria provided, multiple submitters, no conflicts (2 of 4 stars). 10 submissions from 10 submitters: Pathogenic (5); Likely pathogenic (2). 3 of the submissions do not count toward it. Last evaluated 2026-01-29.

Conditions:
AGXT-related disorder. Also called: AGXT-related condition.
Primary hyperoxaluria, type I (HP1). Also called: Primary hyperoxaluria type 1; OXALOSIS I; GLYCOLIC ACIDURIA; HEPATIC AGT DEFICIENCY. Identifiers: Orphanet 416, Orphanet 93598, MedGen C0268164, MONDO:0009823, OMIM 259900. Disease mechanism: loss of function.

Allele frequency attached by ClinVar (database versions not stated): gnomAD 0.00003; TOPMed 0.00003; 1000 Genomes Project 30x 0.00031.
gnomAD v4.1: 129 of 1,546,314 alleles (0.0083%); highest among the groups gnomAD compares: Non-Finnish European, 0.011%; no homozygotes.

Submissions (10):

Natera, Inc.
Classification: Pathogenic for Primary hyperoxaluria type I. Last evaluated: 2026-01-29. Review status: criteria provided, single submitter. Criteria: Natera Variant Classification Schema (03/2026). Collection method: clinical testing. Allele origin: germline.
Comment: The c.847-3C>G variant in AGXT is an intronic variant located outside the canonical splice sites. This variant is rare in the general population with a frequency below the threshold expected for the associated phenotype(s). This variant has been observed in one or more individuals affected with the associated recessive disease, as either homozygous or compound heterozygous with a second variant (PMID: 25629080). Given the available evidence, this variant is classified as Pathogenic.

Labcorp Genetics (formerly Invitae), Labcorp
Classification: Pathogenic. Last evaluated: 2025-07-26. Review status: criteria provided, single submitter. Criteria: Invitae Variant Classification Sherloc (09022015). Collection method: clinical testing. Allele origin: germline.
Comment: This sequence change falls in intron 8 of the AGXT gene. It does not directly change the encoded amino acid sequence of the AGXT protein. It affects a nucleotide within the consensus splice site. This variant is present in population databases (rs180177286, gnomAD 0.01%). This variant has been observed in individual(s) with primary hyperoxaluria (PMID: 10862087, 20549407, 22844106, 25363903, 25629080). In at least one individual the data is consistent with being in trans (on the opposite chromosome) from a pathogenic variant. This variant is also known as c.969-3C>G and IVS8-3C>G. ClinVar contains an entry for this variant (Variation ID: 204169). Variants that disrupt the consensus splice site are a relatively common cause of aberrant splicing (PMID: 17576681, 9536098). Algorithms developed to predict the effect of sequence changes on RNA splicing suggest that this variant may disrupt the consensus splice site. For these reasons, this variant has been classified as Pathogenic.

Blueprint Genetics
Classification: Pathogenic for AGXT-related disorders. Last evaluated: 2024-11-22. Review status: criteria provided, single submitter. Criteria: ACMG Guidelines, 2015. Collection method: clinical testing. Allele origin: germline. Affected: yes. Observed: 3 variant alleles.

Fulgent Genetics
Classification: Pathogenic for Primary hyperoxaluria, type I. Last evaluated: 2024-04-01. Review status: criteria provided, single submitter. Criteria: ACMG Guidelines, 2015. Collection method: clinical testing. Allele origin: germline.

Revvity Omics, Revvity
Classification: Likely pathogenic for Primary hyperoxaluria, type I. Last evaluated: 2022-03-10. Review status: criteria provided, single submitter. Criteria: ACMG Guidelines, 2015. Collection method: clinical testing. Allele origin: germline.

CeGaT Center for Human Genetics Tuebingen
Classification: Likely pathogenic. Last evaluated: 2022-02-01. Review status: criteria provided, single submitter. Criteria: CeGaT Center For Human Genetics Tuebingen Variant Classification Criteria Version 2. Collection method: clinical testing. Allele origin: germline. Affected: yes. Observed: 2 variant alleles.

Laboratory of Medical Genetics, National & Kapodistrian University of Athens
Classification: Pathogenic for Primary hyperoxaluria, type I. Last evaluated: 2018-07-27. Review status: criteria provided, single submitter. Criteria: ACMG Guidelines, 2015. Collection method: clinical testing. Allele origin: germline. Affected: yes.
Comment: PS4, PM2, PP4, PP5

PreventionGenetics, part of Exact Sciences
Classification: Pathogenic for AGXT-related condition. Last evaluated: 2024-03-22. Review status: no assertion criteria provided. Collection method: clinical testing. Allele origin: germline. Not counted in ClinVar's aggregate classification.
Comment: The AGXT c.847-3C>G variant is predicted to interfere with splicing. This variant is also referred to as c.969-3C>G or IVS8-3C>G in the literature. It has been reported in the compound heterozygous and homozygous states in many individuals with primary hyperoxaluria (see, for example, Basmaison et al. 2000. PubMed ID: 10862087; Williams et al. 2015. PubMed ID: 25629080; Deesker et al. 2022. PubMed ID: 35812297). This variant is reported in 0.011% of alleles in individuals of European (non-Finnish) descent in gnomAD. This variant is interpreted as pathogenic.

Counsyl
Classification: Pathogenic for Primary hyperoxaluria, type I. Last evaluated: 2016-08-18. Review status: no assertion criteria provided. Collection method: clinical testing. Allele origin: unknown. Not counted in ClinVar's aggregate classification.

Clinical Biochemistry Laboratory, Health Services Laboratory
Classification: Pathogenic for Primary hyperoxaluria, type I. Last evaluated: 2014-11-27. Review status: no assertion criteria provided. Collection method: research. Allele origin: germline. Affected: yes. Not counted in ClinVar's aggregate classification.

Literature cited by the submitters: PubMed 25629080 (cited by 3 submitters); PubMed 10862087 (cited by 3 submitters); PubMed 20549407 (cited by Labcorp Genetics (formerly Invitae), Labcorp); PubMed 22844106 (cited by Labcorp Genetics (formerly Invitae), Labcorp and Counsyl); PubMed 25363903 (cited by Labcorp Genetics (formerly Invitae), Labcorp and Counsyl); PubMed 17576681 (cited by Labcorp Genetics (formerly Invitae), Labcorp); PubMed 9536098 (cited by Labcorp Genetics (formerly Invitae), Labcorp); PubMed 25644115 (cited by Counsyl); PubMed 20544097 (cited by Counsyl); PubMed 15110324 (cited by Counsyl).